The following is an entry in ClinVar:

ClinVar aggregate classification (germline): Uncertain significance (1 of 4 stars; one submission).

Submission:

Labcorp Genetics (formerly Invitae), Labcorp
Classification: Uncertain significance. Last evaluated: 2022-10-07. Review status: criteria provided, single submitter. Criteria: Invitae Variant Classification Sherloc (09022015). Collection method: clinical testing. Allele origin: germline.
Comment: This variant results in a copy number gain of the genomic region encompassing exon(s) 5-8 of the ECHS1 gene. This region includes the termination codon of the gene. This copy number gain extends beyond the assayed region for this gene and therefore may encompass additional genes. As the precise location of this event is unknown, it may be in tandem or it may be located elsewhere in the genome. This variant has not been reported in the literature in individuals affected with ECHS1-related conditions. In summary, the available evidence is currently insufficient to determine the role of this variant in disease. Therefore, it has been classified as a Variant of Uncertain Significance.

NC_000010.10:g.(?_135176372)_(135180517_?)dup

Gene: ECHS1 (enoyl-CoA hydratase, short chain 1; minus strand). Cytogenetic location: 10q26.3.
Variant type: Duplication.
Identifiers: ClinVar variation 1440148 (VCV001440148.4).